The following is an entry in ClinVar:

NM_000264.5(PTCH1):c.4026C>T (p.Arg1342=)

Gene: PTCH1 (patched 1; minus strand). Cytogenetic location: 9q22.32.
Variant type: single nucleotide variant.
Coding change: c.4026C>T on transcript NM_000264.5 (MANE Select); coding-DNA position 4026, C replaced by T.
Protein change: p.Arg1342=; no amino-acid change (arginine 1342 retained).
Molecular consequence: synonymous variant. On other transcripts: non-coding transcript variant (1).
Genome position (GRCh38, 1-based): chr9:95,447,230, G>A on the plus strand (C>T on the coding strand, the complement: PTCH1 is on the minus strand). VCF-style: chr9-95447230-G-A. GRCh37 (hg19) VCF-style: chr9-98209512-G-A.
Other names: c.3828C>T, p.Arg1276= (NM_001083602.3); c.4023C>T, p.Arg1341= (NM_001083603.3); c.3573C>T, p.Arg1191= (NM_001083604.3, NM_001083605.3, NM_001083606.3 and 1 more transcripts); c.3870C>T, p.Arg1290= (NM_001354918.2).
Identifiers: ClinVar variation 453877 (VCV000453877.39), dbSNP rs576944494, ClinGen allele CA5137977.
Genomic context (GRCh38, chr9:95,447,230, plus strand): 5'-GGGCACGGAGCTGCCCATGGCAGTGGACGCTGGGTTCCGAGGGTTGTGAGAACGGGCCCC[G>A]CGAGGGCCCCAGCGGGCCCTATTGCTAGGGCCAGAATGCCCTTCAGTAGAAATTTCAAAA-3'
Protein context (NP_000255.2, residues 1332-1352): GPSNRARWGP[Arg1342=]GARSHNPRNP

ClinVar aggregate classification (germline): Likely benign. Review status: criteria provided, multiple submitters, no conflicts (2 of 4 stars). 4 submissions from 4 submitters: Likely benign (4). Last evaluated 2026-04-01.

Conditions:
Hereditary cancer-predisposing syndrome. Also called: Hereditary neoplastic syndrome; Neoplastic Syndromes, Hereditary; Hereditary Cancer Syndrome; Tumor predisposition. Identifiers: Orphanet 140162, MedGen C0027672, MeSH D009386, MONDO:0015356.
Gorlin syndrome. Also called: Nevoid Basal Cell Carcinoma Syndrome; Basal cell nevus syndrome. Identifiers: Orphanet 377, MedGen C0004779, MONDO:0007187.

Allele frequency attached by ClinVar (database versions not stated): gnomAD exomes 0.00006; TOPMed 0.00006; gnomAD 0.00002; ExAC 0.00006.
gnomAD v4.1: 63 of 1,611,466 alleles (0.0039%); highest among the groups gnomAD compares: Admixed American, 0.017%; 1 homozygote.

Submissions (4):

CeGaT Center for Human Genetics Tuebingen
Classification: Likely benign. Last evaluated: 2026-04-01. Review status: criteria provided, single submitter. Criteria: CeGaT Center For Human Genetics Tuebingen Variant Classification Criteria Version 2. Collection method: clinical testing. Allele origin: germline. Affected: yes. Observed: 2 variant alleles.
Comment: PTCH1: BP4, BP7

Labcorp Genetics (formerly Invitae), Labcorp
Classification: Likely benign for Gorlin syndrome. Last evaluated: 2026-02-03. Review status: criteria provided, single submitter. Criteria: Invitae Variant Classification Sherloc (09022015). Collection method: clinical testing. Allele origin: germline.

Blueprint Genetics
Classification: Likely benign. Last evaluated: 2024-11-08. Review status: criteria provided, single submitter. Criteria: ACMG Guidelines, 2015. Collection method: clinical testing. Allele origin: germline.

Ambry Genetics
Classification: Likely benign for Hereditary cancer-predisposing syndrome. Last evaluated: 2017-05-18. Review status: criteria provided, single submitter. Criteria: Ambry Variant Classification Scheme 2023. Collection method: clinical testing. Allele origin: germline.